The following is an entry in ClinVar:

NM_000455.5(STK11):c.998G>A (p.Arg333His)

Genes: STK11 (serine/threonine kinase 11; plus strand), LOC130062899 (ATAC-STARR-seq lymphoblastoid active region 13597; plus strand). Cytogenetic location: 19p13.3.
Variant type: single nucleotide variant.
Coding change: c.998G>A on transcript NM_000455.5 (MANE Select); coding-DNA position 998, G replaced by A.
Protein change: p.Arg333His; replaces arginine 333 with histidine.
Molecular consequence: missense variant.
Genome position (GRCh38, 1-based): chr19:1,223,062, G>A. VCF-style: chr19-1223062-G-A. GRCh37 (hg19) VCF-style: chr19-1223061-G-A.
Other names: short protein forms R333H.
Identifiers: ClinVar variation 142148 (VCV000142148.19), dbSNP rs587782267, ClinGen allele CA023401.
Genomic context (GRCh38, chr19:1,223,062, plus strand): 5'-ATCCTCCGGCTGAAGCACCAGTGCCCATCCCACCGAGCCCAGACACCAAGGACCGGTGGC[G>A]CAGCATGACTGTGGTGCCGTACTTGGAGGACCTGCACGGCGCGGACGAGGACGAGGACCT-3'
Protein context (NP_000446.1, residues 323-343): PPSPDTKDRW[Arg333His]SMTVVPYLED

ClinVar aggregate classification (germline): Uncertain significance. Review status: criteria provided, multiple submitters, no conflicts (2 of 4 stars). 5 submissions from 5 submitters: Uncertain significance (5). Last evaluated 2025-03-27.

Conditions:
Hereditary cancer-predisposing syndrome. Also called: Neoplastic Syndromes, Hereditary; Hereditary Cancer Syndrome; Hereditary neoplastic syndrome; Tumor predisposition. Identifiers: Orphanet 140162, MedGen C0027672, MeSH D009386, MONDO:0015356.
Peutz-Jeghers syndrome (PJS). Also called: Peutz-Jeghers polyposis; Periorificial lentiginosis syndrome; POLYPOSIS, HAMARTOMATOUS INTESTINAL; POLYPS-AND-SPOTS SYNDROME. Identifiers: Orphanet 2869, MedGen C0031269, MeSH D010580, MONDO:0008280, OMIM 175200.

Allele frequency attached by ClinVar (database versions not stated): TOPMed 0.00001.
gnomAD v4.1: 4 of 1,605,532 alleles (0.00025%); highest among the groups gnomAD compares: Non-Finnish European, 0.00017%; no homozygotes.

Submissions (5):

Ambry Genetics
Classification: Uncertain significance for Hereditary cancer-predisposing syndrome. Last evaluated: 2025-03-27. Review status: criteria provided, single submitter. Criteria: Ambry Variant Classification Scheme 2023. Collection method: clinical testing. Allele origin: germline.
Comment: The p.R333H variant (also known as c.998G>A), located in coding exon 8 of the STK11 gene, results from a G to A substitution at nucleotide position 998. The arginine at codon 333 is replaced by histidine, an amino acid with highly similar properties. This amino acid position is highly conserved in available vertebrate species. In addition, the in silico prediction for this alteration is inconclusive. Based on the available evidence, the clinical significance of this variant remains unclear.

Center for Genomic Medicine, Rigshospitalet, Copenhagen University Hospital
Classification: Uncertain significance. Last evaluated: 2025-03-04. Review status: criteria provided, single submitter. Criteria: ACMG Guidelines, 2015. Collection method: clinical testing. Allele origin: germline.

Labcorp Genetics (formerly Invitae), Labcorp
Classification: Uncertain significance for Peutz-Jeghers syndrome. Last evaluated: 2024-06-19. Review status: criteria provided, single submitter. Criteria: Invitae Variant Classification Sherloc (09022015). Collection method: clinical testing. Allele origin: germline.
Comment: This sequence change replaces arginine, which is basic and polar, with histidine, which is basic and polar, at codon 333 of the STK11 protein (p.Arg333His). This variant is not present in population databases (gnomAD no frequency). This variant has not been reported in the literature in individuals affected with STK11-related conditions. ClinVar contains an entry for this variant (Variation ID: 142148). Advanced modeling of protein sequence and biophysical properties (such as structural, functional, and spatial information, amino acid conservation, physicochemical variation, residue mobility, and thermodynamic stability) performed at Invitae indicates that this missense variant is not expected to disrupt STK11 protein function with a negative predictive value of 95%. In summary, the available evidence is currently insufficient to determine the role of this variant in disease. Therefore, it has been classified as a Variant of Uncertain Significance.

GeneDx
Classification: Uncertain significance. Last evaluated: 2023-11-16. Review status: criteria provided, single submitter. Criteria: GeneDx Variant Classification Process June 2021. Collection method: clinical testing. Allele origin: germline. Affected: yes.
Comment: Not observed at significant frequency in large population cohorts (gnomAD); In silico analysis supports that this missense variant does not alter protein structure/function; Not observed in biliary tract cancer cases, but was observed in unaffected/cancer-free controls (PMID: 36243179); This variant is associated with the following publications: (PMID: 28900777, 36243179)

Genome-Nilou Lab
Classification: Uncertain significance for Peutz-Jeghers syndrome. Last evaluated: 2021-07-15. Review status: criteria provided, single submitter. Criteria: ACMG Guidelines, 2015. Collection method: clinical testing. Allele origin: germline. Affected: no.